The following is an entry in ClinVar:

ClinVar aggregate classification (germline): Uncertain significance (1 of 4 stars; one submission).

Submission:

GeneDx
Classification: Uncertain significance. Last evaluated: 2023-02-23. Review status: criteria provided, single submitter. Criteria: GeneDx Variant Classification Process June 2021. Collection method: clinical testing. Allele origin: germline. Affected: yes.
Comment: Not observed at significant frequency in large population cohorts (gnomAD); In silico analysis supports a deleterious effect on splicing; Has not been previously published as pathogenic or benign to our knowledge

NM_022455.5(NSD1):c.927+3A>T

Gene: NSD1 (nuclear receptor binding SET domain protein 1; plus strand). Cytogenetic location: 5q35.3.
Variant type: single nucleotide variant.
Coding change: c.927+3A>T on transcript NM_022455.5 (MANE Select); 3 bases into the intron after coding-DNA position 927, A replaced by T.
Molecular consequence: intron variant.
Genome position (GRCh38, 1-based): chr5:177,136,033, A>T. VCF-style: chr5-177136033-A-T. GRCh37 (hg19) VCF-style: chr5-176563034-A-T.
Other names: c.927+3A>T (NM_001409301.1, NM_001409302.1, NM_001409303.1); c.507+3A>T (NM_001409304.1); c.54+3A>T (NM_001409305.1, NM_001409306.1, NM_001409308.1 and 4 more transcripts).
Identifiers: ClinVar variation 2577674 (VCV002577674.1), dbSNP rs2480093160, ClinGen allele CA2580617447.
Genomic context (GRCh38, chr5:177,136,033, plus strand): 5'-AAACATGCTAGAATTACCTGGAACTTCATCATCATCTACTTCACAGGAATTGCCATTTGT[A>T]AGCAGTTTTTGGTACAACTTAAATATATACATATATGTATATATACAGGCCACTTAAAGG-3'